The following is an entry in ClinVar:

NM_012082.4(ZFPM2):c.945G>T (p.Met315Ile)

Genes: ZFPM2 (zinc finger protein, FOG family member 2; plus strand), ZFPM2-AS1 (ZFPM2 antisense RNA 1; minus strand). Cytogenetic location: 8q23.1.
Variant type: single nucleotide variant.
Coding change: c.945G>T on transcript NM_012082.4 (MANE Select); coding-DNA position 945, G replaced by T.
Protein change: p.Met315Ile; replaces methionine 315 with isoleucine.
Molecular consequence: missense variant.
Genome position (GRCh38, 1-based): chr8:105,798,929, G>T. VCF-style: chr8-105798929-G-T. GRCh37 (hg19) VCF-style: chr8-106811157-G-T.
Other names: c.786G>T, p.Met262Ile (NM_001362836.2); c.549G>T, p.Met183Ile (NM_001362837.2); short protein forms M183I, M315I, M262I.
Identifiers: ClinVar variation 2151967 (VCV002151967.4), dbSNP rs1813918761, ClinGen allele CA371944819.

ClinVar aggregate classification (germline): Uncertain significance (1 of 4 stars; one submission).

Conditions:
46,XY sex reversal 9 (SRXY9). Also called: 46,XY SEX REVERSAL, ZFPM2-RELATED. Identifiers: Orphanet 251510, MedGen C4015129, MONDO:0014480, OMIM 616067.

Allele frequency attached by ClinVar (database versions not stated): TOPMed below 0.00001.

Submission:

Labcorp Genetics (formerly Invitae), Labcorp
Classification: Uncertain significance for 46,XY sex reversal 9. Last evaluated: 2022-05-27. Review status: criteria provided, single submitter. Criteria: Invitae Variant Classification Sherloc (09022015). Collection method: clinical testing. Allele origin: germline.
Comment: In summary, the available evidence is currently insufficient to determine the role of this variant in disease. Therefore, it has been classified as a Variant of Uncertain Significance. Algorithms developed to predict the effect of missense changes on protein structure and function output the following: SIFT: "Deleterious"; PolyPhen-2: "Benign"; Align-GVGD: "Class C0". The isoleucine amino acid residue is found in multiple mammalian species, which suggests that this missense change does not adversely affect protein function. This variant has not been reported in the literature in individuals affected with ZFPM2-related conditions. This variant is not present in population databases (gnomAD no frequency). This sequence change replaces methionine, which is neutral and non-polar, with isoleucine, which is neutral and non-polar, at codon 315 of the ZFPM2 protein (p.Met315Ile).